The following is an entry in ClinVar:

ClinVar aggregate classification (germline): Pathogenic. Review status: criteria provided, multiple submitters, no conflicts (2 of 4 stars). 5 submissions from 5 submitters: Pathogenic (4). 1 of the submissions does not count toward it. Last evaluated 2025-10-13.

Conditions:
Hereditary cancer-predisposing syndrome. Also called: Neoplastic Syndromes, Hereditary; Tumor predisposition; Hereditary neoplastic syndrome; Hereditary Cancer Syndrome. Identifiers: Orphanet 140162, MedGen C0027672, MeSH D009386, MONDO:0015356.
Rhabdoid tumor predisposition syndrome 2 (RTPS2). Identifiers: Orphanet 231108, Orphanet 69077, MedGen C2750074, MONDO:0013224, OMIM 613325.

Submissions (5):

Labcorp Genetics (formerly Invitae), Labcorp
Classification: Pathogenic for Rhabdoid tumor predisposition syndrome 2. Last evaluated: 2025-10-13. Review status: criteria provided, single submitter. Criteria: Invitae Variant Classification Sherloc (09022015). Collection method: clinical testing. Allele origin: germline.
Comment: This sequence change creates a premature translational stop signal (p.Arg1189*) in the SMARCA4 gene. It is expected to result in an absent or disrupted protein product. Loss-of-function variants in SMARCA4 are known to be pathogenic (PMID: 24658001, 24658002). This variant is not present in population databases (gnomAD no frequency). This premature translational stop signal has been observed in individual(s) with rhabdoid tumor predisposition syndrome (PMID: 20137775). ClinVar contains an entry for this variant (Variation ID: 6554). For these reasons, this variant has been classified as Pathogenic.

GeneDx
Classification: Pathogenic. Last evaluated: 2025-08-29. Review status: criteria provided, single submitter. Criteria: GeneDx Variant Classification Process June 2021. Collection method: clinical testing. Allele origin: germline. Affected: yes.
Comment: Nonsense variant predicted to result in protein truncation or nonsense mediated decay in a gene for which loss of function is a known mechanism of disease; Not observed at significant frequency in large population cohorts (gnomAD); This variant is associated with the following publications: (PMID: 25060813, 25525159, 20137775, 24658001)

Ambry Genetics
Classification: Pathogenic for Hereditary cancer-predisposing syndrome. Last evaluated: 2024-11-20. Review status: criteria provided, single submitter. Criteria: Ambry Variant Classification Scheme 2023. Collection method: clinical testing. Allele origin: germline.
Comment: The p.R1189* pathogenic mutation (also known as c.3565C>T), located in coding exon 25 of the SMARCA4 gene, results from a C to T substitution at nucleotide position 3565. This changes the amino acid from an arginine to a stop codon within coding exon 25. Loss-of-function variants in SMARCA4 are known to cause rhabdoid tumor predisposition syndrome including small cell carcinoma of the ovary-hypercalcemic type (SCCOHT); however, such associations with neurodevelopmental disorders are exceedingly rare (Kosho T et al. Am J Med Genet C Semin Med Genet. 2014 Sep;166C(3):262-75; Jelinic P et al. Nat Genet. 2014 May;46(5):424-6). Based on the supporting evidence, this alteration is pathogenic for rhabdoid tumor predisposition syndrome; however, the association of this alteration with Coffin-Siris syndrome is unlikely.

Baylor Genetics
Classification: Pathogenic for Rhabdoid tumor predisposition syndrome 2. Last evaluated: 2022-12-06. Review status: criteria provided, single submitter. Criteria: ACMG Guidelines, 2015. Collection method: clinical testing. Allele origin: unknown.

OMIM
Classification: Pathogenic for RHABDOID TUMOR PREDISPOSITION SYNDROME 2. Last evaluated: 2010-02-12. Review status: no assertion criteria provided. Collection method: literature only. Allele origin: germline. Not counted in ClinVar's aggregate classification.

Literature cited by the submitters: PubMed 24658001 (cited by Labcorp Genetics (formerly Invitae), Labcorp and Ambry Genetics); PubMed 24658002 (cited by Labcorp Genetics (formerly Invitae), Labcorp); PubMed 20137775 (cited by 3 submitters); PubMed 25060813 (cited by Ambry Genetics).

NM_003072.5(SMARCA4):c.3565C>T (p.Arg1189Ter)

Gene: SMARCA4 (SWI/SNF related BAF chromatin remodeling complex subunit ATPase 4; plus strand). Cytogenetic location: 19p13.2.
Variant type: single nucleotide variant.
Coding change: c.3565C>T on transcript NM_003072.5 (MANE Select); coding-DNA position 3565, C replaced by T.
Protein change: p.Arg1189Ter; replaces arginine 1189 with a stop codon.
Molecular consequence: nonsense. On other transcripts: non-coding transcript variant (1).
Genome position (GRCh38, 1-based): chr19:11,033,308, C>T. VCF-style: chr19-11033308-C-T. GRCh37 (hg19) VCF-style: chr19-11143984-C-T.
Other names: c.3565C>T, p.Arg1189Ter (NM_001128844.3, NM_001128845.2, NM_001128846.2 and 5 more transcripts); short protein forms R1189*.
Identifiers: ClinVar variation 6554 (VCV000006554.16), dbSNP rs267607070, ClinGen allele CA118350.